The following is an entry in ClinVar:

NM_201384.3(PLEC):c.7739G>A (p.Arg2580Gln)

Gene: PLEC (plectin; minus strand). Cytogenetic location: 8q24.3.
Variant type: single nucleotide variant.
Coding change: c.7739G>A on transcript NM_201384.3 (MANE Select); coding-DNA position 7739, G replaced by A.
Protein change: p.Arg2580Gln; replaces arginine 2580 with glutamine.
Molecular consequence: missense variant.
Genome position (GRCh38, 1-based): chr8:143,922,082, C>T on the plus strand (G>A on the coding strand, the complement: PLEC is on the minus strand). VCF-style: chr8-143922082-C-T. GRCh37 (hg19) VCF-style: chr8-144996250-C-T.
Other names: c.7820G>A, p.Arg2607Gln (NM_000445.5); c.7697G>A, p.Arg2566Gln (NM_201378.4); c.7673G>A, p.Arg2558Gln (NM_201379.3); c.8150G>A, p.Arg2717Gln (NM_201380.4); c.7643G>A, p.Arg2548Gln (NM_201381.3); c.7739G>A, p.Arg2580Gln (NM_201382.4); c.7751G>A, p.Arg2584Gln (NM_201383.3); short protein forms R2558Q, R2717Q, R2548Q, R2566Q, R2584Q, R2580Q, R2607Q.
Identifiers: ClinVar variation 858807 (VCV000858807.7), dbSNP rs782751670, ClinGen allele CA4925529.
Genomic context (GRCh38, chr8:143,922,082, plus strand): 5'-AGCTGCAGCTGCTCACGCAGCCTCTGGTTCTCCTCAGCCAGCAGCTCCTCCTGCTGCCGC[C>T]GCTGCTGCTCCAGCTGCTGCAGCTCCTCCTGCTTGCGCCGCACGCCCTCCTCGGCCTCAT-3'
Protein context (NP_958786.1, residues 2570-2590): QEELQQLEQQ[Arg2580Gln]RQQEELLAEE

ClinVar aggregate classification (germline): Uncertain significance (1 of 4 stars; one submission).

Conditions:
Epidermolysis bullosa simplex 5B, with muscular dystrophy (EBS5B). Also called: Epidermolysis bullosa simplex with muscular dystrophy; EPIDERMOLYSIS BULLOSA SIMPLEX AND LIMB-GIRDLE MUSCULAR DYSTROPHY. Identifiers: Orphanet 257, MedGen C2931072, MONDO:0009181, OMIM 226670.
Epidermolysis bullosa simplex 5C, with pyloric atresia (EBS5C). Also called: PLEC1-Related Epidermolysis Bullosa with Pyloric Atresia; Epidermolysis bullosa simplex with pyloric atresia; PLEC-Related Epidermolysis Bullosa with Pyloric Atresia. Identifiers: Orphanet 158684, MedGen C2677349, MONDO:0012807, OMIM 612138.
Epidermolysis bullosa simplex, Ogna type (EBS5A). Also called: Pidermolysis bullosa simplex 5A, Ogna type; EPIDERMOLYSIS BULLOSA SIMPLEX 5A, OGNA TYPE. Identifiers: Orphanet 79401, MedGen C0432317, MONDO:0007555, OMIM 131950.
Autosomal recessive limb-girdle muscular dystrophy type 2Q (LGMDR17). Also called: MUSCULAR DYSTROPHY, LIMB-GIRDLE, AUTOSOMAL RECESSIVE 17. Identifiers: Orphanet 254361, MedGen C3150989, MONDO:0013390, OMIM 613723.
Epidermolysis bullosa simplex with nail dystrophy (EBS5D). Identifiers: MedGen C4225309, MONDO:0014661, OMIM 616487.

Allele frequency attached by ClinVar (database versions not stated): gnomAD 0.00003 and 0.00004; TOPMed 0.00003; ExAC 0.00005.
gnomAD v4.1: 46 of 1,574,336 alleles (0.0029%); highest among the groups gnomAD compares: East Asian, 0.018%; no homozygotes.

Submission:

Labcorp Genetics (formerly Invitae), Labcorp
Classification: Uncertain significance for Autosomal recessive limb-girdle muscular dystrophy type 2Q; Epidermolysis bullosa simplex, Ogna type; Epidermolysis bullosa simplex with nail dystrophy; Epidermolysis bullosa simplex 5C, with pyloric atresia; Epidermolysis bullosa simplex 5B, with muscular dystrophy. Last evaluated: 2025-10-29. Review status: criteria provided, single submitter. Criteria: Invitae Variant Classification Sherloc (09022015). Collection method: clinical testing. Allele origin: germline.
Comment: This sequence change replaces arginine, which is basic and polar, with glutamine, which is neutral and polar, at codon 2607 of the PLEC protein (p.Arg2607Gln). This variant is present in population databases (rs782751670, gnomAD 0.01%). This variant has not been reported in the literature in individuals affected with PLEC-related conditions. ClinVar contains an entry for this variant (Variation ID: 858807). Invitae Evidence Modeling of protein sequence and biophysical properties (such as structural, functional, and spatial information, amino acid conservation, physicochemical variation, residue mobility, and thermodynamic stability) indicates that this missense variant is not expected to disrupt PLEC protein function with a negative predictive value of 80%. In summary, the available evidence is currently insufficient to determine the role of this variant in disease. Therefore, it has been classified as a Variant of Uncertain Significance.